The following is an entry in ClinVar:

NM_032608.7(MYO18B):c.6768del (p.Leu2257fs)

Gene: MYO18B (myosin XVIIIB; plus strand). Cytogenetic location: 22q12.1.
Variant type: Deletion.
Coding change: c.6768del on transcript NM_032608.7 (MANE Select); coding-DNA position 6768, one base deleted (G; older notation c.6768delG).
Protein change: p.Leu2257fs; shifts the reading frame from leucine 2257.
Molecular consequence: frameshift variant.
Genome position (GRCh38, 1-based): chr22:26,026,742, G deleted; the last of 3 consecutive G bases (chr22:26,026,740-26,026,742); deleting any one gives the same sequence. VCF-style (leftmost placement, unchanged base first): chr22-26026739-AG-A. GRCh37 (hg19) VCF-style: chr22-26422705-AG-A.
Other names: c.6771del, p.Leu2258fs (NM_001318245.2); short protein forms L2257fs, L2258fs.
Identifiers: ClinVar variation 590292 (VCV000590292.4), dbSNP rs1569308524, ClinGen allele CA891844487.
Genomic context (GRCh38, chr22:26,026,739, plus strand): 5'-ATCCCCGCTGTCGAGGGAAAAGCTGCCCAGTCCTTCAGCGGCCCTCTCGGAGTTCGTGGA[AG>A]GGCTCCGGAGGAAGAGAGCCCAGAGAGGCCAGGGGTCCACGCTGGGCCTAGAGGACTGGC-3'

ClinVar aggregate classification (germline): Likely pathogenic. Review status: criteria provided, single submitter (1 of 4 stars). 2 submissions from 2 submitters: Likely pathogenic (1). 1 of the submissions does not count toward it. Last evaluated 2018-10-10.

Conditions:
Klippel-Feil anomaly-myopathy-facial dysmorphism syndrome. Also called: Klippel-feil syndrome 4, autosomal recessive, with nemaline myopathy and facial dysmorphism; Klippel-Feil syndrome 4, autosomal recessive, with myopathy and facial dysmorphism. Identifiers: Orphanet 447974, MedGen C4225285, MONDO:0014689, OMIM 616549.

Submissions (2):

Institute for Genomic Medicine, Nationwide Children's Hospital
Classification: Likely pathogenic for Klippel-Feil anomaly-myopathy-facial dysmorphism syndrome. Last evaluated: 2018-10-10. Review status: criteria provided, single submitter. Criteria: ACMG Guidelines, 2015. Collection method: clinical testing. Allele origin: germline. Affected: yes. Observed: 1 compound heterozygote.
Comment: These frameshift alterations encode a premature stop of translation (ACMG: PVS1). The first, p.Arg2220SerfsTer74, occurs at an amino acid position 86% of the way through the full length protein, and the second, p.Leu2257SerfsTer16, occurs 88% of the way through the full length protein. These alterations occur within exon 43 of the transcript, NM_032608.5, within the penultimate exon of the gene (also representing the final coding exon of the transcript). These variants are very rare (p.Arg2220SerfsTer74) or absent (p.Leu2257SerfsTer16) from population databases (gnomAD) (ACMG: PM2). MYO18B is associated with autosomal recessive Klippel-Feil syndrome-4 with nemaline myopathy and facial dysmorphism (OMIM: 616549). Limited phenotypic data have been described in the literature and medical databases, however MYO18B variants encoding a premature stop of translation have been previously documented in association with myopathy, mild short stature, microcephaly, cardiomyopathy, pectus deformity, digit anomalies and distinctive facies (PMID: 25748484; 27858739). Characterization of the effect of a premature stop of translation within MYO18B has been described in the setting of in-vitro analyses. Examination of an affected patient's lymphocytes harboring a nonsense alteration (p.Ser2303Ter) demonstrated markedly diminished MYO18B transcript by quantitative PCR in comparison to a control, therefore hypothesized to be consistent with nonsense-mediated decay (PMID: 25748484). Moreover, western blot analysis and immunostaining of skeletal muscle in another patient harboring a nonsense alteration (p.Glu2166Ter) demonstrated the absence of the C-terminus of the protein hypothesized to be consistent with protein truncation (PMID: 27858739).

OMIM
Classification: Pathogenic for KLIPPEL-FEIL SYNDROME 4, AUTOSOMAL RECESSIVE, WITH NEMALINE MYOPATHY AND FACIAL DYSMORPHISM. Last evaluated: 2023-10-27. Review status: no assertion criteria provided. Collection method: literature only. Allele origin: germline. Not counted in ClinVar's aggregate classification.

Literature cited by the submitters: PubMed 31195167 (cited by OMIM).